The following is an entry in ClinVar:

NM_000077.5(CDKN2A):c.168C>T (p.Ser56=)

Gene: CDKN2A (cyclin dependent kinase inhibitor 2A; minus strand). Cytogenetic location: 9p21.3.
Variant type: single nucleotide variant.
Coding change: c.168C>T on transcript NM_000077.5; coding-DNA position 168, C replaced by T.
Protein change: p.Ser56=; no amino-acid change (serine 56 retained).
Molecular consequence: synonymous variant (on NM_000077.6). On other transcripts: missense variant (1), 3 prime UTR variant (1).
Genome position (GRCh38, 1-based): chr9:21,971,191, G>A on the plus strand (C>T on the coding strand, the complement: CDKN2A is on the minus strand). VCF-style: chr9-21971191-G-A. GRCh37 (hg19) VCF-style: chr9-21971190-G-A.
Other names: c.168C>T, p.Ser56= (NM_000077.6, NM_001195132.2); c.15C>T, p.Ser5= (NM_001363763.2); c.211C>T, p.Arg71Cys (NM_058195.4); c.*91C>T (NM_058197.5); short protein forms R71C.
Identifiers: ClinVar variation 491567 (VCV000491567.17), dbSNP rs771138120, ClinGen allele CA373086419.

ClinVar aggregate classification (germline): Conflicting classifications of pathogenicity. Review status: criteria provided, conflicting classifications (1 of 4 stars). 4 submissions from 4 submitters: Uncertain significance (2); Likely benign (2). Last evaluated 2025-10-01.

Conditions:
Hereditary cancer-predisposing syndrome. Also called: Tumor predisposition; Hereditary Cancer Syndrome; Neoplastic Syndromes, Hereditary; Hereditary neoplastic syndrome. Identifiers: Orphanet 140162, MedGen C0027672, MeSH D009386, MONDO:0015356.
Familial melanoma. Also called: Hereditary melanoma; Hereditary cutaneous melanoma. Identifiers: Orphanet 618, MedGen C1512419, MONDO:0018961.

Allele frequency attached by ClinVar (database versions not stated): TOPMed below 0.00001; gnomAD exomes 0.00001.
gnomAD v4.1: 13 of 1,597,576 alleles (0.00081%); highest among the groups gnomAD compares: Non-Finnish European, 0.0011%; no homozygotes.

Submissions (4):

Labcorp Genetics (formerly Invitae), Labcorp
Classification: Likely benign for Familial melanoma. Last evaluated: 2025-10-01. Review status: criteria provided, single submitter. Criteria: Invitae Variant Classification Sherloc (09022015). Collection method: clinical testing. Allele origin: germline.

Ambry Genetics
Classification: Uncertain significance for Hereditary cancer-predisposing syndrome. Last evaluated: 2025-01-20. Review status: criteria provided, single submitter. Criteria: Ambry Variant Classification Scheme 2023. Collection method: clinical testing. Allele origin: germline.
Comment: The c.168C>T variant (also known as p.S56S), located in coding exon 2 of the CDKN2A gene, results from a C to T substitution at nucleotide position 168. This nucleotide substitution does not change the amino acid at codon 56. Of note, this variant is also known as p.R71C (c.211C>T)in the p14(ARF) isoform and results from an arginine to cysteine substitution at amino acid position 71. The evidence supporting a relationship between p14(ARF) and melanoma-pancreatic cancer syndrome is limited; therefore, the association of this variant with this gene-disease relationship is unknown. However, the association of this variant in the p16 isoform with melanoma-pancreatic cancer syndrome is unlikely.

GeneDx
Classification: Uncertain significance. Last evaluated: 2023-07-21. Review status: criteria provided, single submitter. Criteria: GeneDx Variant Classification Process June 2021. Collection method: clinical testing. Allele origin: germline. Affected: yes.
Comment: Not observed at significant frequency in large population cohorts (gnomAD); In silico analysis supports that this missense variant does not alter protein structure/function; Has not been previously published as pathogenic or benign to our knowledge; Reported using an alternate transcript of the gene; This variant is associated with the following publications: (PMID: 32686686)

Color Diagnostics, LLC DBA Color Health
Classification: Likely benign for Hereditary cancer-predisposing syndrome. Last evaluated: 2017-09-28. Review status: criteria provided, single submitter. Criteria: ACMG Guidelines, 2015. Collection method: clinical testing. Allele origin: germline.